The following is an entry in ClinVar:

ClinVar aggregate classification (germline): Likely benign (0 of 4 stars; one submission).

Conditions:
SOHLH1-related disorder. Also called: SOHLH1-related condition.

Allele frequency attached by ClinVar (database versions not stated): TOPMed 0.00003; gnomAD 0.00026; 1000 Genomes Project 30x 0.00203; 1000 Genomes Project 0.00220.
gnomAD v4.1: 497 of 1,611,524 alleles (0.031%); highest among the groups gnomAD compares: South Asian, 0.52%; 6 homozygotes.

Submission:

PreventionGenetics, part of Exact Sciences
Classification: Likely benign for SOHLH1-related condition. Last evaluated: 2019-07-12. Review status: no assertion criteria provided. Collection method: clinical testing. Allele origin: germline.
Comment: This variant is classified as likely benign based on ACMG/AMP sequence variant interpretation guidelines (Richards et al. 2015 PMID: 25741868, with internal and published modifications).

NM_001101677.2(SOHLH1):c.152C>T (p.Pro51Leu)

Gene: SOHLH1 (spermatogenesis and oogenesis specific basic helix-loop-helix 1; minus strand). Cytogenetic location: 9q34.3.
Variant type: single nucleotide variant.
Coding change: c.152C>T on transcript NM_001101677.2 (MANE Select); coding-DNA position 152, C replaced by T.
Protein change: p.Pro51Leu; replaces proline 51 with leucine.
Molecular consequence: missense variant.
Genome position (GRCh38, 1-based): chr9:135,699,040, G>A on the plus strand (C>T on the coding strand, the complement: SOHLH1 is on the minus strand). VCF-style: chr9-135699040-G-A. GRCh37 (hg19) VCF-style: chr9-138590886-G-A.
Other names: c.152C>T, p.Pro51Leu (NM_001012415.3); short protein forms P51L.
Identifiers: ClinVar variation 3049382 (VCV003049382.2), dbSNP rs201942489, ClinGen allele CA5326088.